The following is an entry in ClinVar:

ClinVar aggregate classification (germline): Likely benign. Review status: criteria provided, single submitter (1 of 4 stars). 2 submissions from 2 submitters: Likely benign (1). 1 of the submissions does not count toward it. Last evaluated 2025-04-08.

Conditions:
RHOBTB2-related disorder. Also called: RHOBTB2-related condition.

Allele frequency attached by ClinVar (database versions not stated): gnomAD exomes 0.00001 and 0.00002; ExAC 0.00003; gnomAD 0.00010; 1000 Genomes Project 0.00020; TOPMed 0.00027; 1000 Genomes Project 30x 0.00031.
gnomAD v4.1: 36 of 1,609,788 alleles (0.0022%); highest among the groups gnomAD compares: Admixed American, 0.027%; no homozygotes.

Submissions (2):

Labcorp Genetics (formerly Invitae), Labcorp
Classification: Likely benign. Last evaluated: 2025-04-08. Review status: criteria provided, single submitter. Criteria: Invitae Variant Classification Sherloc (09022015). Collection method: clinical testing. Allele origin: germline.

PreventionGenetics, part of Exact Sciences
Classification: Likely benign for RHOBTB2-related condition. Last evaluated: 2024-05-06. Review status: no assertion criteria provided. Collection method: clinical testing. Allele origin: germline. Not counted in ClinVar's aggregate classification.
Comment: This variant is classified as likely benign based on ACMG/AMP sequence variant interpretation guidelines (Richards et al. 2015 PMID: 25741868, with internal and published modifications).

NM_015178.3(RHOBTB2):c.801C>T (p.Asp267=)

Gene: RHOBTB2 (Rho related BTB domain containing 2; plus strand). Cytogenetic location: 8p21.3.
Variant type: single nucleotide variant.
Coding change: c.801C>T on transcript NM_015178.3 (MANE Select); coding-DNA position 801, C replaced by T.
Protein change: p.Asp267=; no amino-acid change (aspartic acid 267 retained).
Molecular consequence: synonymous variant.
Genome position (GRCh38, 1-based): chr8:23,007,046, C>T. VCF-style: chr8-23007046-C-T. GRCh37 (hg19) VCF-style: chr8-22864559-C-T.
Other names: c.867C>T (NM_001160036.1); c.867C>T, p.Asp289= (NM_001160036.2); c.822C>T, p.Asp274= (NM_001160037.2); c.801C>T, p.Asp267= (NM_001374791.1).
Identifiers: ClinVar variation 1670372 (VCV001670372.9), dbSNP rs547602967, ClinGen allele CA4672542.
Genomic context (GRCh38, chr8:23,007,046, plus strand): 5'-CCCTCCCTCCAGCAGCGAGGAGTGCCCCGCCCACCTCCTGGAGGACCCGCTCTGCGCGGA[C>T]GTCATCCTGGTGCTGCAGGAGCGGGTGCGCATCTTTGCCCACAAGATCTACCTCTCCACC-3'
Protein context (NP_055993.2, residues 257-277): AHLLEDPLCA[Asp267=]VILVLQERVR